The following is an entry in ClinVar:

NM_001308093.3(GATA4):c.1312G>A (p.Gly438Arg)

Gene: GATA4 (GATA binding protein 4). Cytogenetic location: 8p23.1.
Variant type: single nucleotide variant.
Coding change: c.1312G>A on transcript NM_001308093.3 (MANE Select); coding-DNA position 1312, G replaced by A.
Protein change: p.Gly438Arg; replaces glycine 438 with arginine.
Molecular consequence: missense variant.
Genome position (GRCh38, 1-based): chr8:11,758,455, G>A. VCF-style: chr8-11758455-G-A. GRCh37 (hg19) VCF-style: chr8-11615964-G-A.
Other names: c.691G>A, p.Gly231Arg (NM_001308094.2, NM_001374273.1); c.565G>A, p.Gly189Arg (NM_001374274.1); c.1309G>A, p.Gly437Arg (NM_002052.5); short protein forms G189R, G231R, G437R, G438R.
Identifiers: ClinVar variation 870470 (VCV000870470.5), dbSNP rs748737164, ClinGen allele CA370315860.

ClinVar aggregate classification (germline): Conflicting classifications of pathogenicity. Review status: criteria provided, conflicting classifications (1 of 4 stars). 2 submissions from 2 submitters: Likely pathogenic (1); Uncertain significance (1). Last evaluated 2025-02-05.

Conditions:
Atrial septal defect 2 (ASD2). Identifiers: Orphanet 1478, MedGen C1842778, MONDO:0011938, OMIM 607941.
Atrioventricular septal defect 4 (AVSD4). Identifiers: MedGen C3280781, MONDO:0013747, OMIM 614430.

Allele frequency attached by ClinVar (database versions not stated): gnomAD below 0.00001 and 0.00001.
gnomAD v4.1: 7 of 1,614,062 alleles (0.00043%); highest among the groups gnomAD compares: South Asian, 0.0033%; no homozygotes.

Submissions (2):

Labcorp Genetics (formerly Invitae), Labcorp
Classification: Uncertain significance for Atrioventricular septal defect 4. Last evaluated: 2025-02-05. Review status: criteria provided, single submitter. Criteria: Invitae Variant Classification Sherloc (09022015). Collection method: clinical testing. Allele origin: germline.
Comment: This sequence change replaces glycine, which is neutral and non-polar, with arginine, which is basic and polar, at codon 437 of the GATA4 protein (p.Gly437Arg). This variant is present in population databases (no rsID available, gnomAD 0.003%). This missense change has been observed in individual(s) with GATA4-related conditions (PMID: 31115957). ClinVar contains an entry for this variant (Variation ID: 870470). Invitae Evidence Modeling of protein sequence and biophysical properties (such as structural, functional, and spatial information, amino acid conservation, physicochemical variation, residue mobility, and thermodynamic stability) has been performed for this missense variant. However, the output from this modeling did not meet the statistical confidence thresholds required to predict the impact of this variant on GATA4 protein function. In summary, the available evidence is currently insufficient to determine the role of this variant in disease. Therefore, it has been classified as a Variant of Uncertain Significance.

Rajaie Cardiovascular, Medical and Research Center, Iran University of Medical Sciences
Classification: Likely pathogenic for Atrial septal defect 2. Last evaluated: 2020-03-19. Review status: criteria provided, single submitter. Criteria: Submitter's publication. Collection method: research. Allele origin: inherited. Affected: yes. Observed: 1 heterozygote.

Literature cited by the submitters: PubMed 31115957 (cited by Labcorp Genetics (formerly Invitae), Labcorp); DOI 10.1002/jcla.22923 (cited by Rajaie Cardiovascular, Medical and Research Center, Iran University of Medical Sciences).